The following is an entry in ClinVar:

ClinVar aggregate classification (germline): Uncertain significance (1 of 4 stars; one submission).

Conditions:
TRIM71-related disorder. Also called: TRIM71-related condition.

gnomAD v4.1: 1 of 1,423,234 alleles (0.00007%); no homozygotes.

Submission:

PreventionGenetics, part of Exact Sciences
Classification: Uncertain significance for TRIM71-related condition. Last evaluated: 2026-02-09. Review status: criteria provided, single submitter. Criteria: ACMG Guidelines, 2015. Collection method: clinical testing. Allele origin: germline.
Comment: The TRIM71 c.418C>T variant is predicted to result in the amino acid substitution p.Pro140Ser. To our knowledge, this variant has not been reported in the literature or in a large population database (gnomAD). At this time, the clinical significance of this variant is uncertain due to the absence of conclusive functional and genetic evidence.

NM_001039111.3(TRIM71):c.418C>T (p.Pro140Ser)

Gene: TRIM71 (tripartite motif containing 71; plus strand). Cytogenetic location: 3p22.3.
Variant type: single nucleotide variant.
Coding change: c.418C>T on transcript NM_001039111.3 (MANE Select); coding-DNA position 418, C replaced by T.
Protein change: p.Pro140Ser; replaces proline 140 with serine.
Molecular consequence: missense variant.
Genome position (GRCh38, 1-based): chr3:32,818,498, C>T. VCF-style: chr3-32818498-C-T. GRCh37 (hg19) VCF-style: chr3-32859990-C-T.
Other names: short protein forms P140S.
Identifiers: ClinVar variation 4980117 (VCV004980117.1).